The following is an entry in ClinVar:

NM_005228.5(EGFR):c.730C>T (p.Arg244Trp)

Gene: EGFR (epidermal growth factor receptor; plus strand). Cytogenetic location: 7p11.2.
Variant type: single nucleotide variant.
Coding change: c.730C>T on transcript NM_005228.5 (MANE Select); coding-DNA position 730, C replaced by T.
Protein change: p.Arg244Trp; replaces arginine 244 with tryptophan.
Molecular consequence: missense variant. On other transcripts: intron variant (1).
Genome position (GRCh38, 1-based): chr7:55,152,647, C>T. VCF-style: chr7-55152647-C-T. GRCh37 (hg19) VCF-style: chr7-55220340-C-T.
Other names: c.595C>T, p.Arg199Trp (NM_001346897.2, NM_001346899.2); c.730C>T, p.Arg244Trp (NM_001346898.2, NM_201282.2, NM_201283.2 and 1 more transcripts); c.571C>T, p.Arg191Trp (NM_001346900.2); c.89-3183C>T (NM_001346941.2); c.730C>T (NM_005228.3); short protein forms R191W, R199W, R244W.
Identifiers: ClinVar variation 1009597 (VCV001009597.10), dbSNP rs554981236, ClinGen allele CA4265324.

ClinVar aggregate classification (germline): Uncertain significance. Review status: criteria provided, multiple submitters, no conflicts (2 of 4 stars). 3 submissions from 3 submitters: Uncertain significance (3). Last evaluated 2025-08-28.

Conditions:
EGFR-related lung cancer (EGFR). Identifiers: MedGen CN130014.
Hereditary cancer-predisposing syndrome. Also called: Tumor predisposition; Hereditary neoplastic syndrome; Neoplastic Syndromes, Hereditary; Hereditary Cancer Syndrome. Identifiers: Orphanet 140162, MedGen C0027672, MeSH D009386, MONDO:0015356.

Allele frequency attached by ClinVar (database versions not stated): gnomAD 0.00001; TOPMed 0.00001; ExAC 0.00004; 1000 Genomes Project 30x 0.00016; 1000 Genomes Project 0.00020.
gnomAD v4.1: 30 of 1,613,594 alleles (0.0019%); highest among the groups gnomAD compares: East Asian, 0.016%; no homozygotes.

Submissions (3):

Labcorp Genetics (formerly Invitae), Labcorp
Classification: Uncertain significance for EGFR-related lung cancer. Last evaluated: 2025-08-28. Review status: criteria provided, single submitter. Criteria: Invitae Variant Classification Sherloc (09022015). Collection method: clinical testing. Allele origin: germline.
Comment: This sequence change replaces arginine, which is basic and polar, with tryptophan, which is neutral and slightly polar, at codon 244 of the EGFR protein (p.Arg244Trp). This variant is present in population databases (rs554981236, gnomAD 0.02%). This variant has not been reported in the literature in individuals affected with EGFR-related conditions. ClinVar contains an entry for this variant (Variation ID: 1009597). Invitae Evidence Modeling of protein sequence and biophysical properties (such as structural, functional, and spatial information, amino acid conservation, physicochemical variation, residue mobility, and thermodynamic stability) indicates that this missense variant is not expected to disrupt EGFR protein function with a negative predictive value of 80%. In summary, the available evidence is currently insufficient to determine the role of this variant in disease. Therefore, it has been classified as a Variant of Uncertain Significance.

Ambry Genetics
Classification: Uncertain significance for Hereditary cancer-predisposing syndrome. Last evaluated: 2024-12-06. Review status: criteria provided, single submitter. Criteria: Ambry Variant Classification Scheme 2023. Collection method: clinical testing. Allele origin: germline.
Comment: The p.R244W variant (also known as c.730C>T), located in coding exon 6 of the EGFR gene, results from a C to T substitution at nucleotide position 730. The arginine at codon 244 is replaced by tryptophan, an amino acid with dissimilar properties. This amino acid position is conserved. In addition, this alteration is predicted to be deleterious by in silico analysis. Based on the available evidence, the clinical significance of this variant remains unclear.

GeneDx
Classification: Uncertain significance. Last evaluated: 2024-02-05. Review status: criteria provided, single submitter. Criteria: GeneDx Variant Classification Process June 2021. Collection method: clinical testing. Allele origin: germline. Affected: yes.
Comment: In silico analysis supports that this missense variant has a deleterious effect on protein structure/function; Has not been previously published as pathogenic or benign to our knowledge